The following is an entry in ClinVar:

ClinVar aggregate classification (germline): Uncertain significance (1 of 4 stars; one submission).

Submission:

GeneDx
Classification: Uncertain significance. Last evaluated: 2023-05-23. Review status: criteria provided, single submitter. Criteria: GeneDx Variant Classification Process June 2021. Collection method: clinical testing. Allele origin: germline. Affected: yes.
Comment: Not observed at significant frequency in large population cohorts (gnomAD); In silico analysis supports that this missense variant has a deleterious effect on protein structure/function; Has not been previously published as pathogenic or benign to our knowledge

NM_197968.4(ZMYM2):c.2609A>T (p.Lys870Ile)

Gene: ZMYM2 (zinc finger MYM-type containing 2; plus strand). Cytogenetic location: 13q12.11.
Variant type: single nucleotide variant.
Coding change: c.2609A>T on transcript NM_197968.4 (MANE Select); coding-DNA position 2609, A replaced by T.
Protein change: p.Lys870Ile; replaces lysine 870 with isoleucine.
Molecular consequence: missense variant. On other transcripts: non-coding transcript variant (1).
Genome position (GRCh38, 1-based): chr13:20,058,690, A>T. VCF-style: chr13-20058690-A-T. GRCh37 (hg19) VCF-style: chr13-20632830-A-T.
Other names: c.2609A>T, p.Lys870Ile (NM_001190964.4, NM_001190965.4, NM_001353157.2 and 5 more transcripts); c.2414A>T, p.Lys805Ile (NM_001353161.3); c.2348A>T, p.Lys783Ile (NM_001353163.2); short protein forms K783I, K805I, K870I.
Identifiers: ClinVar variation 3343737 (VCV003343737.1).